The following is an entry in ClinVar:

ClinVar aggregate classification (germline): Uncertain significance (1 of 4 stars; one submission).

Conditions:
Hereditary spastic paraplegia 28. Also called: Spastic paraplegia 28, autosomal recessive. Identifiers: Orphanet 101008, MedGen C1836295, MONDO:0012256, OMIM 609340.

Allele frequency attached by ClinVar (database versions not stated): gnomAD exomes below 0.00001.
gnomAD v4.1: 1 of 1,613,844 alleles (0.000062%); highest among the groups gnomAD compares: Non-Finnish European, 0.000085%; no homozygotes.

Submission:

Labcorp Genetics (formerly Invitae), Labcorp
Classification: Uncertain significance for Hereditary spastic paraplegia 28. Last evaluated: 2024-10-15. Review status: criteria provided, single submitter. Criteria: Invitae Variant Classification Sherloc (09022015). Collection method: clinical testing. Allele origin: germline.
Comment: This sequence change replaces arginine, which is basic and polar, with glycine, which is neutral and non-polar, at codon 655 of the DDHD1 protein (p.Arg655Gly). This variant is not present in population databases (gnomAD no frequency). This variant has not been reported in the literature in individuals affected with DDHD1-related conditions. ClinVar contains an entry for this variant (Variation ID: 2116394). Invitae Evidence Modeling of protein sequence and biophysical properties (such as structural, functional, and spatial information, amino acid conservation, physicochemical variation, residue mobility, and thermodynamic stability) indicates that this missense variant is not expected to disrupt DDHD1 protein function with a negative predictive value of 80%. In summary, the available evidence is currently insufficient to determine the role of this variant in disease. Therefore, it has been classified as a Variant of Uncertain Significance.

NM_001160148.2(DDHD1):c.1942A>G (p.Arg648Gly)

Gene: DDHD1 (DDHD domain containing 1; minus strand). Cytogenetic location: 14q22.1.
Variant type: single nucleotide variant.
Coding change: c.1942A>G on transcript NM_001160148.2 (MANE Select); coding-DNA position 1942, A replaced by G.
Protein change: p.Arg648Gly; replaces arginine 648 with glycine.
Molecular consequence: missense variant.
Genome position (GRCh38, 1-based): chr14:53,058,527, T>C on the plus strand (A>G on the coding strand, the complement: DDHD1 is on the minus strand). VCF-style: chr14-53058527-T-C. GRCh37 (hg19) VCF-style: chr14-53525245-T-C.
Other names: c.1963A>G, p.Arg655Gly (NM_001160147.2); c.1942A>G, p.Arg648Gly (NM_030637.3); short protein forms R648G, R655G.
Identifiers: ClinVar variation 2116394 (VCV002116394.4), dbSNP rs2503067287, ClinGen allele CA389772432.
Genomic context (GRCh38, chr14:53,058,527, plus strand): 5'-TGCAACTCACCACTGGATCTGTAGGATGAAAAATATTTAGTAACCGGTTACAAATCTCTC[T>C]AGGCAAAATATGGTCTTGACTTCCAGTATTTCCTGGGCGGATGCCACGCAACGCCAAGAA-3'
Protein context (NP_001153620.1, residues 638-658): NTGSQDHILP[Arg648Gly]EICNRLLNIF